The following is an entry in ClinVar:

ClinVar aggregate classification (germline): Uncertain significance (1 of 4 stars; one submission).

Conditions:
Charcot-Marie-Tooth disease type 2E (CMT2E). Also called: CHARCOT-MARIE-TOOTH DISEASE, AXONAL, TYPE 2E; CHARCOT-MARIE-TOOTH NEUROPATHY, TYPE 2E. Identifiers: Orphanet 99939, MedGen C1843225, MONDO:0011894, OMIM 607684.

Allele frequency attached by ClinVar (database versions not stated): gnomAD exomes below 0.00001.

Submission:

Labcorp Genetics (formerly Invitae), Labcorp
Classification: Uncertain significance for Charcot-Marie-Tooth disease type 2E. Last evaluated: 2022-10-19. Review status: criteria provided, single submitter. Criteria: Invitae Variant Classification Sherloc (09022015). Collection method: clinical testing. Allele origin: germline.
Comment: This sequence change replaces arginine, which is basic and polar, with serine, which is neutral and polar, at codon 359 of the NEFL protein (p.Arg359Ser). This variant is not present in population databases (gnomAD no frequency). This variant has not been reported in the literature in individuals affected with NEFL-related conditions. Advanced modeling of protein sequence and biophysical properties (such as structural, functional, and spatial information, amino acid conservation, physicochemical variation, residue mobility, and thermodynamic stability) performed at Invitae indicates that this missense variant is not expected to disrupt NEFL protein function. In summary, the available evidence is currently insufficient to determine the role of this variant in disease. Therefore, it has been classified as a Variant of Uncertain Significance.

NM_006158.5(NEFL):c.1077G>C (p.Arg359Ser)

Genes: NEFL (neurofilament light chain; minus strand), LOC126860330 (BRD4-independent group 4 enhancer GRCh37_chr8:24811677-24812876; plus strand). Cytogenetic location: 8p21.2.
Variant type: single nucleotide variant.
Coding change: c.1077G>C on transcript NM_006158.5 (MANE Select); coding-DNA position 1077, G replaced by C.
Protein change: p.Arg359Ser; replaces arginine 359 with serine.
Molecular consequence: missense variant.
Genome position (GRCh38, 1-based): chr8:24,954,273, C>G on the plus strand (G>C on the coding strand, the complement: NEFL is on the minus strand). VCF-style: chr8-24954273-C-G. GRCh37 (hg19) VCF-style: chr8-24811787-C-G.
Other names: short protein forms R359S.
Identifiers: ClinVar variation 1895861 (VCV001895861.5), dbSNP rs2486883297, ClinGen allele CA370620972.